The following is an entry in ClinVar:

ClinVar aggregate classification (germline): Benign (0 of 4 stars; one submission).

Conditions:
COL15A1-related disorder. Also called: COL15A1-related condition.

Allele frequency attached by ClinVar (database versions not stated): ESP Exome Variant Server 0.11871; gnomAD 0.12671; TOPMed 0.12698; ExAC 0.13806; 1000 Genomes Project 30x 0.14616; 1000 Genomes Project 0.15036.

Submission:

PreventionGenetics, part of Exact Sciences
Classification: Benign for COL15A1-related condition. Last evaluated: 2019-10-28. Review status: no assertion criteria provided. Collection method: clinical testing. Allele origin: germline.
Comment: This variant is classified as benign based on ACMG/AMP sequence variant interpretation guidelines (Richards et al. 2015 PMID: 25741868, with internal and published modifications).

NM_001855.5(COL15A1):c.2514T>C (p.Gly838=)

Gene: COL15A1 (collagen type XV alpha 1 chain; plus strand). Cytogenetic location: 9q22.33.
Variant type: single nucleotide variant.
Coding change: c.2514T>C on transcript NM_001855.5 (MANE Select); coding-DNA position 2514, T replaced by C.
Protein change: p.Gly838=; no amino-acid change (glycine 838 retained).
Molecular consequence: synonymous variant.
Genome position (GRCh38, 1-based): chr9:99,042,047, T>C. VCF-style: chr9-99042047-T-C. GRCh37 (hg19) VCF-style: chr9-101804329-T-C.
Identifiers: ClinVar variation 3060947 (VCV003060947.2), dbSNP rs7854112, ClinGen allele CA5155449.